The following is an entry in ClinVar:

NM_001367561.1(DOCK7):c.1292G>C (p.Gly431Ala)

Gene: DOCK7 (dedicator of cytokinesis 7; minus strand). Cytogenetic location: 1p31.3.
Variant type: single nucleotide variant.
Coding change: c.1292G>C on transcript NM_001367561.1 (MANE Select); coding-DNA position 1292, G replaced by C.
Protein change: p.Gly431Ala; replaces glycine 431 with alanine.
Molecular consequence: missense variant.
Genome position (GRCh38, 1-based): chr1:62,625,392, C>G on the plus strand (G>C on the coding strand, the complement: DOCK7 is on the minus strand). VCF-style: chr1-62625392-C-G. GRCh37 (hg19) VCF-style: chr1-63091063-C-G.
Other names: c.1292G>C (NM_033407.2); c.1292G>C, p.Gly431Ala (NM_001271999.2, NM_001272000.2, NM_001272001.2 and 3 more transcripts); short protein forms G431A.
Identifiers: ClinVar variation 578368 (VCV000578368.19), dbSNP rs201785444, ClinGen allele CA886981.

ClinVar aggregate classification (germline): Conflicting classifications of pathogenicity. Review status: criteria provided, conflicting classifications (1 of 4 stars). 8 submissions from 8 submitters: Uncertain significance (7); Likely benign (1). Last evaluated 2026-02-02.

Conditions:
Inborn genetic diseases. Identifiers: MedGen C0950123, MeSH D030342.
DOCK7-related disorder. Also called: DOCK7-related condition.
Developmental and epileptic encephalopathy, 23 (DEE23). Also called: Epileptic encephalopathy, early infantile, 23. Identifiers: Orphanet 411986, MedGen C4014492, MONDO:0014371, OMIM 615859.

Allele frequency attached by ClinVar (database versions not stated): ExAC 0.00004; ESP Exome Variant Server 0.00008; gnomAD exomes 0.00008; TOPMed 0.00011; gnomAD 0.00016 and 0.00018.
gnomAD v4.1: 230 of 1,589,528 alleles (0.014%); highest among the groups gnomAD compares: Admixed American, 0.044%; no homozygotes.

Submissions (8):

Labcorp Genetics (formerly Invitae), Labcorp
Classification: Uncertain significance for Developmental and epileptic encephalopathy, 23. Last evaluated: 2026-02-02. Review status: criteria provided, single submitter. Criteria: Invitae Variant Classification Sherloc (09022015). Collection method: clinical testing. Allele origin: germline.
Comment: This sequence change replaces glycine, which is neutral and non-polar, with alanine, which is neutral and non-polar, at codon 431 of the DOCK7 protein (p.Gly431Ala). This variant is present in population databases (rs201785444, gnomAD 0.02%). This variant has not been reported in the literature in individuals affected with DOCK7-related conditions. ClinVar contains an entry for this variant (Variation ID: 578368). Invitae Evidence Modeling of protein sequence and biophysical properties (such as structural, functional, and spatial information, amino acid conservation, physicochemical variation, residue mobility, and thermodynamic stability) indicates that this missense variant is not expected to disrupt DOCK7 protein function with a negative predictive value of 80%. In summary, the available evidence is currently insufficient to determine the role of this variant in disease. Therefore, it has been classified as a Variant of Uncertain Significance.

PreventionGenetics, part of Exact Sciences
Classification: Uncertain significance for DOCK7-related condition. Last evaluated: 2025-04-18. Review status: criteria provided, single submitter. Criteria: ACMG Guidelines, 2015. Collection method: clinical testing. Allele origin: germline.
Comment: The DOCK7 c.1292G>C variant is predicted to result in the amino acid substitution p.Gly431Ala. To our knowledge, this variant has not been reported in the literature. This variant is reported in 0.024% of alleles in individuals of Latino descent in gnomAD. This variant has conflicting classifications listed in ClinVar ranging from likely benign to uncertain (ClinVar ID: 578368). At this time, the clinical significance of this variant is uncertain due to the absence of conclusive functional and genetic evidence.

Blueprint Genetics
Classification: Uncertain significance. Last evaluated: 2024-10-14. Review status: criteria provided, single submitter. Criteria: ACMG Guidelines, 2015. Collection method: clinical testing. Allele origin: germline.

3billion
Classification: Likely benign for Developmental and epileptic encephalopathy, 23. Last evaluated: 2024-09-20. Review status: criteria provided, single submitter. Criteria: ACMG Guidelines, 2015. Collection method: clinical testing. Allele origin: germline. Affected: no.
Comment: The homozygous variant was found in patients diagnosed with another variant in a different gene, with no symptoms related to the gene containing the homozygous variant.

Ambry Genetics
Classification: Uncertain significance for Inborn genetic diseases. Last evaluated: 2024-01-12. Review status: criteria provided, single submitter. Criteria: Ambry Variant Classification Scheme 2023. Collection method: clinical testing. Allele origin: germline.

Genome-Nilou Lab
Classification: Uncertain significance for Developmental and epileptic encephalopathy, 23. Last evaluated: 2023-04-11. Review status: criteria provided, single submitter. Criteria: ACMG Guidelines, 2015. Collection method: clinical testing. Allele origin: germline. Affected: no.

GeneDx
Classification: Uncertain significance. Last evaluated: 2023-02-05. Review status: criteria provided, single submitter. Criteria: GeneDx Variant Classification Process June 2021. Collection method: clinical testing. Allele origin: germline. Affected: yes.
Comment: In silico analysis supports that this missense variant does not alter protein structure/function; Has not been previously published as pathogenic or benign to our knowledge

Breakthrough Genomics
Classification: Uncertain significance. Review status: criteria provided, single submitter. Criteria: ACMG Guidelines, 2015. Collection method: not provided. Allele origin: germline. Inheritance: Autosomal recessive inheritance. Affected: yes.